The following is an entry in ClinVar:

NM_004614.5(TK2):c.279T>A (p.Asn93Lys)

Gene: TK2 (thymidine kinase 2; minus strand). Cytogenetic location: 16q21.
Variant type: single nucleotide variant.
Coding change: c.279T>A on transcript NM_004614.5 (MANE Select); coding-DNA position 279, T replaced by A.
Protein change: p.Asn93Lys; replaces asparagine 93 with lysine.
Molecular consequence: missense variant. On other transcripts: 5 prime UTR variant (1), non-coding transcript variant (1), intron variant (1).
Genome position (GRCh38, 1-based): chr16:66,536,970, A>T on the plus strand (T>A on the coding strand, the complement: TK2 is on the minus strand). VCF-style: chr16-66536970-A-T. GRCh37 (hg19) VCF-style: chr16-66570873-A-T.
Other names: c.186T>A, p.Asn62Lys (NM_001172643.1, NM_001271935.1); c.204T>A, p.Asn68Lys (NM_001172644.2); c.132T>A, p.Asn44Lys (NM_001271934.2); c.-13T>A (NM_001272050.2); c.231+4909T>A (NM_001172645.2); short protein forms N68K, N93K, N62K, N44K.
Identifiers: ClinVar variation 2092149 (VCV002092149.4), dbSNP rs2507165538, ClinGen allele CA396191481.

ClinVar aggregate classification (germline): Uncertain significance (1 of 4 stars; one submission).

Submission:

Labcorp Genetics (formerly Invitae), Labcorp
Classification: Uncertain significance. Last evaluated: 2022-06-17. Review status: criteria provided, single submitter. Criteria: Invitae Variant Classification Sherloc (09022015). Collection method: clinical testing. Allele origin: germline.
Comment: In summary, the available evidence is currently insufficient to determine the role of this variant in disease. Therefore, it has been classified as a Variant of Uncertain Significance. This variant is not present in population databases (gnomAD no frequency). This variant has not been reported in the literature in individuals affected with TK2-related conditions. Algorithms developed to predict the effect of missense changes on protein structure and function are either unavailable or do not agree on the potential impact of this missense change (SIFT: "Deleterious"; PolyPhen-2: "Possibly Damaging"; Align-GVGD: "Class C0"). This sequence change replaces asparagine, which is neutral and polar, with lysine, which is basic and polar, at codon 93 of the TK2 protein (p.Asn93Lys).